The following is an entry in ClinVar:

NM_000179.3(MSH6):c.1684G>A (p.Asp562Asn)

Gene: MSH6 (mutS homolog 6; plus strand). Cytogenetic location: 2p16.3.
Variant type: single nucleotide variant.
Coding change: c.1684G>A on transcript NM_000179.3 (MANE Select); coding-DNA position 1684, G replaced by A.
Protein change: p.Asp562Asn; replaces aspartic acid 562 with asparagine.
Molecular consequence: missense variant.
Genome position (GRCh38, 1-based): chr2:47,799,667, G>A. VCF-style: chr2-47799667-G-A. GRCh37 (hg19) VCF-style: chr2-48026806-G-A.
Other names: c.1294G>A, p.Asp432Asn (NM_001281492.2); c.778G>A, p.Asp260Asn (NM_001281493.2, NM_001281494.2, NM_001406811.1 and 6 more transcripts); c.1780G>A, p.Asp594Asn (NM_001406795.1, NM_001406802.1); c.1684G>A, p.Asp562Asn (NM_001406796.1, NM_001406798.1, NM_001406800.1 and 3 more transcripts); c.1387G>A, p.Asp463Asn (NM_001406797.1, NM_001406801.1, NM_001406805.1 and 10 more transcripts); c.1159G>A, p.Asp387Asn (NM_001406799.1, NM_001406806.1, NM_001406807.1); c.1606G>A, p.Asp536Asn (NM_001406804.1); c.1690G>A, p.Asp564Asn (NM_001406813.1); and 1 more; short protein forms D506N, D260N, D463N, D562N, D594N, D387N, D564N, D432N.
Identifiers: ClinVar variation 1777973 (VCV001777973.2), dbSNP rs2104360485, ClinGen allele CA346747486.
Genomic context (GRCh38, chr2:47,799,667, plus strand): 5'-CTCAAAGAAAAAGAGGAAGATTCTTCTGGCCATACTCGTGCATATGGTGTGTGCTTTGTT[G>A]ATACTTCACTGGGAAAGTTTTTCATAGGTCAGTTTTCAGATGATCGCCATTGTTCGAGAT-3'
Protein context (NP_000170.1, residues 552-572): HTRAYGVCFV[Asp562Asn]TSLGKFFIGQ

ClinVar aggregate classification (germline): Uncertain significance (1 of 4 stars; one submission).

Conditions:
Hereditary cancer-predisposing syndrome. Also called: Neoplastic Syndromes, Hereditary; Tumor predisposition; Hereditary Cancer Syndrome; Hereditary neoplastic syndrome. Identifiers: Orphanet 140162, MedGen C0027672, MeSH D009386, MONDO:0015356.

gnomAD v4.1: 1 of 1,614,160 alleles (0.000062%); no homozygotes.

Submission:

Ambry Genetics
Classification: Uncertain significance for Hereditary cancer-predisposing syndrome. Last evaluated: 2018-11-26. Review status: criteria provided, single submitter. Criteria: Ambry Variant Classification Scheme 2023. Collection method: clinical testing. Allele origin: germline.
Comment: The p.D562N variant (also known as c.1684G>A), located in coding exon 4 of the MSH6 gene, results from a G to A substitution at nucleotide position 1684. The aspartic acid at codon 562 is replaced by asparagine, an amino acid with highly similar properties. This amino acid position is highly conserved in available vertebrate species. In addition, the in silico prediction for this alteration is inconclusive. In addition, the CoDP in silico tool predicts this alteration to likely impair molecular function, with a score of 0.706 (Terui H et al. J. Biomed. Sci. 2013 Apr;20:25). Since supporting evidence is limited at this time, the clinical significance of this alteration remains unclear.